The following is an entry in ClinVar:

ClinVar aggregate classification (germline): Uncertain significance (1 of 4 stars; one submission).

gnomAD v4.1: 2 of 1,613,526 alleles (0.00012%); highest among the groups gnomAD compares: Non-Finnish European, 0.00017%; no homozygotes.

Submission:

Mayo Clinic Laboratories, Mayo Clinic
Classification: Uncertain significance. Last evaluated: 2025-10-21. Review status: criteria provided, single submitter. Criteria: ACMG Guidelines, 2015. Collection method: clinical testing. Allele origin: germline. Observed: 1 variant allele.
Comment: PM2_supporting

NM_001267550.2(TTN):c.84893G>T (p.Arg28298Leu)

Genes: TTN (titin; minus strand), TTN-AS1 (TTN antisense RNA 1; plus strand). Cytogenetic location: 2q31.2.
Variant type: single nucleotide variant.
Coding change: c.84893G>T on transcript NM_001267550.2 (MANE Select); coding-DNA position 84893, G replaced by T.
Protein change: p.Arg28298Leu; replaces arginine 28298 with leucine.
Molecular consequence: missense variant.
Genome position (GRCh38, 1-based): chr2:178,561,239, C>A on the plus strand (G>T on the coding strand, the complement: TTN is on the minus strand). VCF-style: chr2-178561239-C-A. GRCh37 (hg19) VCF-style: chr2-179425966-C-A.
Other names: p.Arg26657Leu; c.58274G>T, p.Arg19425Leu (NM_133437.4); c.79970G>T, p.Arg26657Leu (NM_001256850.1); c.57698G>T, p.Arg19233Leu (NM_003319.4); c.77189G>T, p.Arg25730Leu (NM_133378.4); c.58073G>T, p.Arg19358Leu (NM_133432.3); short protein forms R19425L, R19358L, R25730L, R26657L, R28298L, R19233L.
Identifiers: ClinVar variation 4540710 (VCV004540710.1).